The following is an entry in ClinVar:

NM_018082.6(POLR3B):c.1121A>G (p.Glu374Gly)

Gene: POLR3B (RNA polymerase III subunit B; plus strand). Cytogenetic location: 12q23.3.
Variant type: single nucleotide variant.
Coding change: c.1121A>G on transcript NM_018082.6 (MANE Select); coding-DNA position 1121, A replaced by G.
Protein change: p.Glu374Gly; replaces glutamic acid 374 with glycine.
Molecular consequence: missense variant.
Genome position (GRCh38, 1-based): chr12:106,427,216, A>G. VCF-style: chr12-106427216-A-G. GRCh37 (hg19) VCF-style: chr12-106820994-A-G.
Other names: c.947A>G, p.Glu316Gly (NM_001160708.2); short protein forms E316G, E374G.
Identifiers: ClinVar variation 989355 (VCV000989355.5), dbSNP rs2037451909, ClinGen allele CA386388089.
Genomic context (GRCh38, chr12:106,427,216, plus strand): 5'-CTTTTTGAAAAATCACCATATACCTTTTTTTTTTTTTTTAGCTTTTATCTCTTCTTTTTG[A>G]AGACTTGTTCAAAAAATTTAATTCTGAAATGAAAAAGATTGCCGACCAGGTGATTCCTAA-3'
Protein context (NP_060552.4, residues 364-384): LAGQLLSLLF[Glu374Gly]DLFKKFNSEM

ClinVar aggregate classification (germline): Uncertain significance. Review status: criteria provided, multiple submitters, no conflicts (2 of 4 stars). 2 submissions from 2 submitters: Uncertain significance (2). Last evaluated 2026-02-20.

Conditions:
POLR-related leukodystrophy. Also called: 4H leukodystrophy. Identifiers: Orphanet 289494, MedGen C5679947, MONDO:0100605.

Submissions (2):

GeneDx
Classification: Uncertain significance. Last evaluated: 2026-02-20. Review status: criteria provided, single submitter. Criteria: GeneDx Variant Classification Process June 2021. Collection method: clinical testing. Allele origin: germline.
Comment: Not observed at significant frequency in large population cohorts (gnomAD); In silico analysis supports that this missense variant has a deleterious effect on protein structure/function; Has not been previously published as pathogenic or benign to our knowledge

Illumina Laboratory Services, Illumina
Classification: Uncertain significance for POLR3-related leukodystrophy. Last evaluated: 2019-02-22. Review status: criteria provided, single submitter. Criteria: ICSLVariantClassificationCriteria RUGD 01 April 2020. Collection method: clinical testing. Allele origin: unknown.
Comment: The POLR3B c.1121A>G (p.Glu374Gly) variant is a missense variant. A literature search was performed for the gene, cDNA change, and amino acid change. No publications were found based on this search. This variant is not found in the Genome Aggregation Database in a region of good sequence coverage, so is presumed to be rare. Based on the limited evidence, the p.Glu374Gly variant is classified as a variant of uncertain significance for POLR3-related leukodystrophy.